The following is an entry in ClinVar:

ClinVar aggregate classification (germline): Likely benign. Review status: criteria provided, multiple submitters, no conflicts (2 of 4 stars). 2 submissions from 2 submitters: Likely benign (2). Last evaluated 2023-05-01.

Allele frequency attached by ClinVar (database versions not stated): gnomAD 0.00016; TOPMed 0.00033.
gnomAD v4.1: 246 of 1,535,870 alleles (0.016%); highest among the groups gnomAD compares: Admixed American, 0.15%; 1 homozygote.

Submissions (2):

CeGaT Center for Human Genetics Tuebingen
Classification: Likely benign. Last evaluated: 2023-05-01. Review status: criteria provided, single submitter. Criteria: CeGaT Center For Human Genetics Tuebingen Variant Classification Criteria Version 2. Collection method: clinical testing. Allele origin: germline. Affected: yes. Observed: 2 variant alleles.
Comment: DTNA: BP4, BP7

GeneDx
Classification: Likely benign. Last evaluated: 2017-12-06. Review status: criteria provided, single submitter. Criteria: GeneDx Variant Classification Process June 2021. Collection method: clinical testing. Allele origin: germline. Affected: yes.

NM_001386795.1(DTNA):c.*2571C>T

Gene: DTNA (dystrobrevin alpha; plus strand). Cytogenetic location: 18q12.1.
Variant type: single nucleotide variant.
Coding change: c.*2571C>T on transcript NM_001386795.1 (MANE Select); 2571 bases downstream of the stop codon, C replaced by T.
Molecular consequence: 3 prime UTR variant. On other transcripts: synonymous variant (2).
Genome position (GRCh38, 1-based): chr18:34,890,305, C>T. VCF-style: chr18-34890305-C-T. GRCh37 (hg19) VCF-style: chr18-32470269-C-T.
Other names: c.2040C>T, p.His680= (NM_001198938.2, NM_001386753.1); c.*2571C>T (NM_001198939.2, NM_001198940.2, NM_001198942.1 and 12 more transcripts); c.*37C>T (NM_001386755.1, NM_001386756.1, NM_001386759.1 and 7 more transcripts).
Identifiers: ClinVar variation 1268345 (VCV001268345.25), dbSNP rs779508079, ClinGen allele CA8936005.
Genomic context (GRCh38, chr18:34,890,305, plus strand): 5'-AAACTGCCGCCAATGACCAATTTCTGACTAACCAGCCACCTTTTCTCTCTCTTAGCTCCA[C>T]GTCAGCACTGAGACCAGACTCGAGCACCCCTGTCCTGTAAGCGAGACAAAATGGCGTGTG-3'